The following is an entry in ClinVar:

ClinVar aggregate classification (germline): Conflicting classifications of pathogenicity. Review status: criteria provided, conflicting classifications (1 of 4 stars). 4 submissions from 4 submitters: Uncertain significance (3); Likely benign (1). Last evaluated 2025-11-25.

Conditions:
Intellectual disability-facial dysmorphism syndrome due to SETD5 haploinsufficiency (MRD23). Also called: Intellectual developmental disorder, autosomal dominant 23. Identifiers: Orphanet 404440, MedGen C3810406, MONDO:0014336, OMIM 615761.
Inborn genetic diseases. Identifiers: MedGen C0950123, MeSH D030342.

gnomAD v4.1: 5 of 1,613,924 alleles (0.00031%); highest among the groups gnomAD compares: Admixed American, 0.005%; no homozygotes.

Submissions (4):

Women's Health and Genetics/Laboratory Corporation of America, LabCorp
Classification: Uncertain significance. Last evaluated: 2025-11-25. Review status: criteria provided, single submitter. Criteria: LabCorp Variant Classification Summary - May 2015. Collection method: clinical testing. Allele origin: germline.
Comment: Variant summary: SETD5 c.1711G>T (p.Val571Phe) results in a non-conservative amino acid change in the encoded protein sequence. Algorithms developed to predict the effect of missense changes on protein structure and function are either unavailable or do not agree on the potential impact of this missense change. The variant allele was found at a frequency of 8e-06 in 249152 control chromosomes. The available data on variant occurrences in the general population are insufficient to allow any conclusion about variant significance. To our knowledge, no occurrence of c.1711G>T in individuals affected with SETD5-related conditions and no experimental evidence demonstrating its impact on protein function have been reported. ClinVar contains an entry for this variant (Variation ID: 1413355). Based on the evidence outlined above, the variant was classified as uncertain significance.

Labcorp Genetics (formerly Invitae), Labcorp
Classification: Uncertain significance. Last evaluated: 2025-01-13. Review status: criteria provided, single submitter. Criteria: Invitae Variant Classification Sherloc (09022015). Collection method: clinical testing. Allele origin: germline.
Comment: This sequence change replaces valine, which is neutral and non-polar, with phenylalanine, which is neutral and non-polar, at codon 571 of the SETD5 protein (p.Val571Phe). This variant is present in population databases (rs768631076, gnomAD 0.003%). This variant has not been reported in the literature in individuals affected with SETD5-related conditions. ClinVar contains an entry for this variant (Variation ID: 1413355). Invitae Evidence Modeling of protein sequence and biophysical properties (such as structural, functional, and spatial information, amino acid conservation, physicochemical variation, residue mobility, and thermodynamic stability) indicates that this missense variant is not expected to disrupt SETD5 protein function with a negative predictive value of 80%. In summary, the available evidence is currently insufficient to determine the role of this variant in disease. Therefore, it has been classified as a Variant of Uncertain Significance.

Ambry Genetics
Classification: Likely benign for Inborn genetic diseases. Last evaluated: 2024-11-09. Review status: criteria provided, single submitter. Criteria: Ambry Variant Classification Scheme 2023. Collection method: clinical testing. Allele origin: germline.

New York Genome Center
Classification: Uncertain significance for Intellectual disability-facial dysmorphism syndrome due to SETD5 haploinsufficiency. Last evaluated: 2021-06-11. Review status: criteria provided, single submitter. Criteria: NYGC Assertion Criteria 2020. Collection method: clinical testing. Allele origin: germline. Observed: 1 heterozygote. Study: CSER-NYCKidSeq.

NM_001080517.3(SETD5):c.1711G>T (p.Val571Phe)

Gene: SETD5 (SET domain containing 5; plus strand). Cytogenetic location: 3p25.3.
Variant type: single nucleotide variant.
Coding change: c.1711G>T on transcript NM_001080517.3 (MANE Select); coding-DNA position 1711, G replaced by T.
Protein change: p.Val571Phe; replaces valine 571 with phenylalanine.
Molecular consequence: missense variant.
Genome position (GRCh38, 1-based): chr3:9,447,236, G>T. VCF-style: chr3-9447236-G-T. GRCh37 (hg19) VCF-style: chr3-9488920-G-T.
Other names: c.1711G>T (NM_001080517.1); c.1417G>T, p.Val473Phe (NM_001292043.2, NM_001349451.2); short protein forms V473F, V571F.
Identifiers: ClinVar variation 1413355 (VCV001413355.11), dbSNP rs768631076, ClinGen allele CA2239271.